The following is an entry in ClinVar:

NM_000245.4(MET):c.*787G>A

Gene: MET (MET proto-oncogene, receptor tyrosine kinase; plus strand). Cytogenetic location: 7q31.2.
Variant type: single nucleotide variant.
Coding change: c.*787G>A on transcript NM_000245.4 (MANE Select); 787 bases downstream of the stop codon, G replaced by A.
Molecular consequence: 3 prime UTR variant.
Genome position (GRCh38, 1-based): chr7:116,796,911, G>A. VCF-style: chr7-116796911-G-A. GRCh37 (hg19) VCF-style: chr7-116436965-G-A.
Other names: c.*787G>A (LRG_662t1, NM_001127500.3, NM_001324402.2).
Identifiers: ClinVar variation 358708 (VCV000358708.5), dbSNP rs143472935, ClinGen allele CA10628021.

ClinVar aggregate classification (germline): Benign (1 of 4 stars; one submission).

Conditions:
Papillary renal cell carcinoma type 1 (RCCP1). Also called: RENAL CELL CARCINOMA, PAPILLARY, 1, SOMATIC; Renal adenocarcinoma; Renal cell carcinoma 1; Renal cell carcinoma, somatic. Identifiers: Orphanet 47044, MedGen C1336839, OMIM 605074, HP:0011797.

Allele frequency attached by ClinVar (database versions not stated): gnomAD exomes 0.00047; gnomAD 0.00277 and 0.00290; TOPMed 0.00300; 1000 Genomes Project 0.00439; 1000 Genomes Project 30x 0.00484.

Submission:

Illumina Laboratory Services, Illumina
Classification: Benign for Papillary renal cell carcinoma type 1. Last evaluated: 2018-01-13. Review status: criteria provided, single submitter. Criteria: ICSL Variant Classification Criteria 13 December 2019. Collection method: clinical testing. Allele origin: germline.
Comment: This variant was observed in the ICSL laboratory as part of a predisposition screen in an ostensibly healthy population. It had not been previously curated by ICSL or reported in the Human Gene Mutation Database (HGMD: prior to June 1st, 2018), and was therefore a candidate for classification through an automated scoring system. Utilizing variant allele frequency, disease prevalence and penetrance estimates, and inheritance mode, an automated score was calculated to assess if this variant is too frequent to cause the disease. Based on the score and internal cut-off values, a variant classified as benign is not then subjected to further curation. The score for this variant resulted in a classification of benign for this disease.